The following is an entry in ClinVar:

NM_000051.4(ATM):c.8268+5C>T

Genes: ATM (ATM serine/threonine kinase; plus strand), C11orf65 (chromosome 11 open reading frame 65; minus strand). Cytogenetic location: 11q22.3.
Variant type: single nucleotide variant.
Coding change: c.8268+5C>T on transcript NM_000051.4 (MANE Select); 5 bases into the intron after coding-DNA position 8268, C replaced by T.
Molecular consequence: intron variant.
Genome position (GRCh38, 1-based): chr11:108,335,966, C>T. VCF-style: chr11-108335966-C-T. GRCh37 (hg19) VCF-style: chr11-108206693-C-T.
Other names: c.8268+5C>T (NM_001351834.2); c.641-26895G>A (NM_001330368.2); c.695-674G>A (NM_001351110.2).
Identifiers: ClinVar variation 580547 (VCV000580547.13), dbSNP rs1565544035, ClinGen allele CA891842781.

ClinVar aggregate classification (germline): Conflicting classifications of pathogenicity. Review status: criteria provided, conflicting classifications (1 of 4 stars). 3 submissions from 3 submitters: Uncertain significance (1); Likely benign (2). Last evaluated 2025-03-03.

Conditions:
Hereditary cancer-predisposing syndrome. Also called: Hereditary Cancer Syndrome; Neoplastic Syndromes, Hereditary; Tumor predisposition; Hereditary neoplastic syndrome. Identifiers: Orphanet 140162, MedGen C0027672, MeSH D009386, MONDO:0015356.
Ataxia-telangiectasia syndrome (AT). Also called: Cerebello-oculocutaneous telangiectasia; Immunodeficiency with ataxia telangiectasia; Ataxia-telangiectasia, complementation group E; Ataxia-telangiectasia, complementation group D; AT, COMPLEMENTATION GROUP C; ATAXIA-TELANGIECTASIA, COMPLEMENTATION GROUP A. Identifiers: Orphanet 100, MedGen C0004135, MONDO:0008840, OMIM 208900.

Allele frequency attached by ClinVar (database versions not stated): gnomAD exomes below 0.00001.
gnomAD v4.1: 1 of 1,586,134 alleles (0.000063%); highest among the groups gnomAD compares: Non-Finnish European, 0.000087%; no homozygotes.

Submissions (3):

Labcorp Genetics (formerly Invitae), Labcorp
Classification: Likely benign for Ataxia-telangiectasia syndrome. Last evaluated: 2025-03-03. Review status: criteria provided, single submitter. Criteria: Invitae Variant Classification Sherloc (09022015). Collection method: clinical testing. Allele origin: germline.

Color Diagnostics, LLC DBA Color Health
Classification: Uncertain significance for Hereditary cancer-predisposing syndrome. Last evaluated: 2023-12-05. Review status: criteria provided, single submitter. Criteria: ACMG Guidelines, 2015. Collection method: clinical testing. Allele origin: germline.
Comment: This variant causes a C to T nucleotide substitution at the +5 position of intron 56/62 of the ATM gene. To our knowledge, RNA studies have not been reported for this variant. This variant has not been reported in individuals affected with ATM-related disorders in the literature. This variant has not been identified in the general population by the Genome Aggregation Database (gnomAD). The available evidence is insufficient to determine the role of this variant in disease conclusively. Therefore, this variant is classified as a Variant of Uncertain Significance.

Ambry Genetics
Classification: Likely benign for Hereditary cancer-predisposing syndrome. Last evaluated: 2019-10-31. Review status: criteria provided, single submitter. Criteria: Ambry Variant Classification Scheme 2023. Collection method: clinical testing. Allele origin: germline.